The following is an entry in ClinVar:

NM_000260.4(MYO7A):c.4327A>C (p.Ile1443Leu)

Gene: MYO7A (myosin VIIA; plus strand). Cytogenetic location: 11q13.5.
Variant type: single nucleotide variant.
Coding change: c.4327A>C on transcript NM_000260.4 (MANE Select); coding-DNA position 4327, A replaced by C.
Protein change: p.Ile1443Leu; replaces isoleucine 1443 with leucine.
Molecular consequence: missense variant.
Genome position (GRCh38, 1-based): chr11:77,197,484, A>C. VCF-style: chr11-77197484-A-C. GRCh37 (hg19) VCF-style: chr11-76908529-A-C.
Other names: c.4327A>C, p.Ile1443Leu (NM_001127180.2); c.4294A>C, p.Ile1432Leu (NM_001369365.1); short protein forms I1432L, I1443L.
Identifiers: ClinVar variation 1010491 (VCV001010491.4), dbSNP rs762660033, ClinGen allele CA381949893.

ClinVar aggregate classification (germline): Uncertain significance. Review status: criteria provided, single submitter (1 of 4 stars). 2 submissions from 2 submitters: Uncertain significance (1). 1 of the submissions does not count toward it. Last evaluated 2024-03-06.

Conditions:
Usher syndrome type 1B (USH1B). Also called: Usher syndrome type IB. Identifiers: MedGen C1848638, MONDO:0700087.

Allele frequency attached by ClinVar (database versions not stated): TOPMed 0.00001.
gnomAD v4.1: 24 of 1,592,172 alleles (0.0015%); highest among the groups gnomAD compares: South Asian, 0.0092%; no homozygotes.

Submissions (2):

Labcorp Genetics (formerly Invitae), Labcorp
Classification: Uncertain significance. Last evaluated: 2024-03-06. Review status: criteria provided, single submitter. Criteria: Invitae Variant Classification Sherloc (09022015). Collection method: clinical testing. Allele origin: germline.
Comment: This sequence change replaces isoleucine, which is neutral and non-polar, with leucine, which is neutral and non-polar, at codon 1443 of the MYO7A protein (p.Ile1443Leu). This variant is present in population databases (no rsID available, gnomAD 0.01%). This variant has not been reported in the literature in individuals affected with MYO7A-related conditions. ClinVar contains an entry for this variant (Variation ID: 1010491). Advanced modeling of protein sequence and biophysical properties (such as structural, functional, and spatial information, amino acid conservation, physicochemical variation, residue mobility, and thermodynamic stability) performed at Invitae indicates that this missense variant is not expected to disrupt MYO7A protein function with a negative predictive value of 95%. In summary, the available evidence is currently insufficient to determine the role of this variant in disease. Therefore, it has been classified as a Variant of Uncertain Significance.

Natera, Inc.
Classification: Uncertain significance for Usher syndrome type 1B. Last evaluated: 2020-06-10. Review status: no assertion criteria provided. Collection method: clinical testing. Allele origin: germline. Not counted in ClinVar's aggregate classification.